The following is an entry in ClinVar:

NM_001370259.2(MEN1):c.948A>T (p.Glu316Asp)

Gene: MEN1 (menin 1; minus strand). Cytogenetic location: 11q13.1.
Variant type: single nucleotide variant.
Coding change: c.948A>T on transcript NM_001370259.2 (MANE Select); coding-DNA position 948, A replaced by T.
Protein change: p.Glu316Asp; replaces glutamic acid 316 with aspartic acid.
Molecular consequence: missense variant.
Genome position (GRCh38, 1-based): chr11:64,806,333, T>A on the plus strand (A>T on the coding strand, the complement: MEN1 is on the minus strand). VCF-style: chr11-64806333-T-A. GRCh37 (hg19) VCF-style: chr11-64573805-T-A.
Other names: c.963A>T, p.Glu321Asp (NM_000244.4, NM_130800.3, NM_130801.3 and 3 more transcripts); c.948A>T, p.Glu316Asp (NM_001370251.2, NM_001370260.2, NM_001370261.2 and 1 more transcripts); c.843A>T, p.Glu281Asp (NM_001370262.2, NM_001370263.2); short protein forms E321D, E281D, E316D.
Identifiers: ClinVar variation 838658 (VCV000838658.13), dbSNP rs756604268, ClinGen allele CA061874.

ClinVar aggregate classification (germline): Conflicting classifications of pathogenicity. Review status: criteria provided, conflicting classifications (1 of 4 stars). 2 submissions from 2 submitters: Uncertain significance (1); Likely benign (1). Last evaluated 2025-11-17.

Conditions:
Hereditary cancer-predisposing syndrome. Also called: Neoplastic Syndromes, Hereditary; Hereditary neoplastic syndrome; Tumor predisposition; Hereditary Cancer Syndrome. Identifiers: Orphanet 140162, MedGen C0027672, MeSH D009386, MONDO:0015356.
Multiple endocrine neoplasia, type 1 (MEN1). Also called: MEA I; MEN I; WERMER SYNDROME; Endocrine adenomatosis multiple; MEN 1. Identifiers: Orphanet 652, MedGen C0025267, MeSH D018761, MONDO:0007540, OMIM 131100.

Allele frequency attached by ClinVar (database versions not stated): ExAC 0.00002; gnomAD exomes 0.00001.

Submissions (2):

Labcorp Genetics (formerly Invitae), Labcorp
Classification: Likely benign for Multiple endocrine neoplasia, type 1. Last evaluated: 2025-11-17. Review status: criteria provided, single submitter. Criteria: Invitae Variant Classification Sherloc (09022015). Collection method: clinical testing. Allele origin: germline.

Ambry Genetics
Classification: Uncertain significance for Hereditary cancer-predisposing syndrome. Last evaluated: 2025-02-25. Review status: criteria provided, single submitter. Criteria: Ambry Variant Classification Scheme 2023. Collection method: clinical testing. Allele origin: germline.
Comment: The p.E316D variant (also known as c.948A>T), located in coding exon 6 of the MEN1 gene, results from an A to T substitution at nucleotide position 948. The glutamic acid at codon 316 is replaced by aspartic acid, an amino acid with highly similar properties. This amino acid position is well conserved in available vertebrate species. In addition, the in silico prediction for this alteration is inconclusive. Based on the available evidence, the clinical significance of this variant remains unclear.